The following is an entry in ClinVar:

ClinVar aggregate classification (germline): Uncertain significance. Review status: criteria provided, multiple submitters, no conflicts (2 of 4 stars). 2 submissions from 2 submitters: Uncertain significance (2). Last evaluated 2025-08-02.

Conditions:
Charcot-Marie-Tooth disease axonal type 2Q. Also called: CHARCOT-MARIE-TOOTH DISEASE, AXONAL, AUTOSOMAL DOMINANT, TYPE 2Q; CHARCOT-MARIE-TOOTH NEUROPATHY, TYPE 2Q. Identifiers: Orphanet 329258, MedGen C3554366, MONDO:0014012, OMIM 615025.
Inborn genetic diseases. Identifiers: MedGen C0950123, MeSH D030342.

Allele frequency attached by ClinVar (database versions not stated): gnomAD exomes below 0.00001; ExAC 0.00001; gnomAD 0.00001; 1000 Genomes Project 30x 0.00016; 1000 Genomes Project 0.00020.
gnomAD v4.1: 1 of 1,613,968 alleles (0.000062%); highest among the groups gnomAD compares: South Asian, 0.0011%; no homozygotes.

Submissions (2):

Ambry Genetics
Classification: Uncertain significance for Inborn genetic diseases. Last evaluated: 2025-08-02. Review status: criteria provided, single submitter. Criteria: Ambry Variant Classification Scheme 2023. Collection method: clinical testing. Allele origin: germline.

Neuberg Centre For Genomic Medicine, NCGM
Classification: Uncertain significance for Charcot-Marie-Tooth disease axonal type 2Q. Review status: criteria provided, single submitter. Criteria: ACMG Guidelines, 2015. Collection method: clinical testing. Allele origin: germline. Affected: yes.
Comment: The missense variant p.E464G in DHTKD1 (NM_018706.7) has not been reported previously as a pathogenic variant nor as a benign variant, to our knowledge. The p.E464G variant is observed in 1/30,584 (0.0033%) alleles from individuals of South Asian background in gnomAD Exomes and in 1/978 (0.1022%) alleles from individuals of South Asian background in 1000 Genomes.The p.E464G missense variant is predicted to be damaging by both SIFT and PolyPhen2. The nucleotide c.1391 in DHTKD1 is predicted conserved by GERP++ and PhyloP across 100 vertebrates. For these reasons, this variant has been classified as Uncertain Significance.

NM_018706.7(DHTKD1):c.1391A>G (p.Glu464Gly)

Gene: DHTKD1 (dehydrogenase E1 and transketolase domain containing 1; plus strand). Cytogenetic location: 10p14.
Variant type: single nucleotide variant.
Coding change: c.1391A>G on transcript NM_018706.7 (MANE Select); coding-DNA position 1391, A replaced by G.
Protein change: p.Glu464Gly; replaces glutamic acid 464 with glycine.
Molecular consequence: missense variant.
Genome position (GRCh38, 1-based): chr10:12,097,716, A>G. VCF-style: chr10-12097716-A-G. GRCh37 (hg19) VCF-style: chr10-12139715-A-G.
Other names: c.1391A>G (NM_018706.5); short protein forms E464G.
Identifiers: ClinVar variation 1339253 (VCV001339253.3), dbSNP rs576359665, ClinGen allele CA5407846.
Genomic context (GRCh38, chr10:12,097,716, plus strand): 5'-ATTTTTGTTTCTTCTCTTTCTTGGGCAGAGCTCGAAAGAGCATTCCAGACACATATGCAG[A>G]GCACCTCATTGCTGGCGGACTCATGACGCAGGAGGAGGTGTCTGAAATAAAATCCTCCTA-3'
Protein context (NP_061176.4, residues 454-474): ARKSIPDTYA[Glu464Gly]HLIAGGLMTQ